The following is an entry in ClinVar:

NM_001267550.2(TTN):c.49852G>A (p.Gly16618Arg)

Genes: TTN (titin; minus strand), TTN-AS1 (TTN antisense RNA 1; plus strand). Cytogenetic location: 2q31.2.
Variant type: single nucleotide variant.
Coding change: c.49852G>A on transcript NM_001267550.2 (MANE Select); coding-DNA position 49852, G replaced by A.
Protein change: p.Gly16618Arg; replaces glycine 16618 with arginine.
Molecular consequence: missense variant.
Genome position (GRCh38, 1-based): chr2:178,612,869, C>T on the plus strand (G>A on the coding strand, the complement: TTN is on the minus strand). VCF-style: chr2-178612869-C-T. GRCh37 (hg19) VCF-style: chr2-179477596-C-T.
Other names: c.44929G>A, p.Gly14977Arg (NM_001256850.1); c.22657G>A, p.Gly7553Arg (NM_003319.4); c.42148G>A, p.Gly14050Arg (NM_133378.4); c.23032G>A, p.Gly7678Arg (NM_133432.3); c.23233G>A, p.Gly7745Arg (NM_133437.4); short protein forms G14977R, G16618R, G7553R, G7678R, G7745R, G14050R.
Identifiers: ClinVar variation 1788691 (VCV001788691.2), dbSNP rs1418313981, ClinGen allele CA349600736.

ClinVar aggregate classification (germline): Uncertain significance (1 of 4 stars; one submission).

Conditions:
Cardiovascular phenotype. Identifiers: MedGen CN230736.

Allele frequency attached by ClinVar (database versions not stated): gnomAD exomes below 0.00001; TOPMed below 0.00001; gnomAD 0.00001.
gnomAD v4.1: 3 of 1,612,452 alleles (0.00019%); highest among the groups gnomAD compares: Non-Finnish European, 0.00017%; no homozygotes.

Submission:

Ambry Genetics
Classification: Uncertain significance for Cardiovascular phenotype. Last evaluated: 2019-01-14. Review status: criteria provided, single submitter. Criteria: Ambry Variant Classification Scheme 2023. Collection method: clinical testing. Allele origin: germline.
Comment: The p.G7553R variant (also known as c.22657G>A), located in coding exon 92 of the TTN gene, results from a G to A substitution at nucleotide position 22657. The glycine at codon 7553 is replaced by arginine, an amino acid with dissimilar properties. This amino acid position is not well conserved in available vertebrate species, and arginine is the reference amino acid in other vertebrate species. In addition, this alteration is predicted to be tolerated by in silico analysis. Since supporting evidence is limited at this time, the clinical significance of this alteration remains unclear.